The following is an entry in ClinVar:

ClinVar aggregate classification (germline): Conflicting classifications of pathogenicity. Review status: criteria provided, conflicting classifications (1 of 4 stars). 2 submissions from 2 submitters: Likely pathogenic (1); Uncertain significance (1). Last evaluated 2025-10-03.

Conditions:
Primary ciliary dyskinesia. Also called: Ciliary dyskinesia. Identifiers: Orphanet 244, MedGen C0008780, MONDO:0016575, HP:0012265.

Submissions (2):

Labcorp Genetics (formerly Invitae), Labcorp
Classification: Likely pathogenic for Primary ciliary dyskinesia. Last evaluated: 2025-10-03. Review status: criteria provided, single submitter. Criteria: Invitae Variant Classification Sherloc (09022015). Collection method: clinical testing. Allele origin: germline.
Comment: This sequence change falls in intron 17 of the CCDC40 gene. It does not directly change the encoded amino acid sequence of the CCDC40 protein. It affects a nucleotide within the consensus splice site. The frequency data for this variant in the population databases is considered unreliable, as metrics indicate poor data quality at this position in the gnomAD database. This variant has been observed in individual(s) with clinical features of primary ciliary dyskinesia (internal data). In at least one individual the data is consistent with being in trans (on the opposite chromosome) from a pathogenic variant. Variants that disrupt the consensus splice site are a relatively common cause of aberrant splicing (PMID: 17576681, 9536098). Algorithms developed to predict the effect of sequence changes on RNA splicing suggest that this variant may disrupt the consensus splice site. In summary, the currently available evidence indicates that the variant is pathogenic, but additional data are needed to prove that conclusively. Therefore, this variant has been classified as Likely Pathogenic.

Ambry Genetics
Classification: Uncertain significance for Primary ciliary dyskinesia. Last evaluated: 2025-08-26. Review status: criteria provided, single submitter. Criteria: Ambry Variant Classification Scheme 2023. Collection method: clinical testing. Allele origin: germline.
Comment: The c.2832+4A>G intronic alteration consists of an A to G substitution 4 nucleotides after coding exon 17 in the CCDC40 gene. Based on data from gnomAD, the G allele has an overall frequency of <0.001% (1/249146) total alleles studied. The highest observed frequency was 0.001% (1/113008) of European (non-Finnish) alleles. Other variant(s) impacting the same donor site (c.2832+4A>T) have been identified in individual(s) with features consistent with CCDC40-related primary ciliary dyskinesia (Ambry internal data). This nucleotide position is well conserved in available vertebrate species. In silico splice site analysis predicts that this alteration will weaken the native splice donor site. Based on insufficient or conflicting evidence, the clinical significance of this alteration remains unclear.

Literature cited by the submitters: PubMed 17576681 (cited by Labcorp Genetics (formerly Invitae), Labcorp); PubMed 9536098 (cited by Labcorp Genetics (formerly Invitae), Labcorp).

NM_017950.4(CCDC40):c.2832+4A>G

Gene: CCDC40 (coiled-coil domain 40 molecular ruler complex subunit; plus strand). Cytogenetic location: 17q25.3.
Variant type: single nucleotide variant.
Coding change: c.2832+4A>G on transcript NM_017950.4 (MANE Select); 4 bases into the intron after coding-DNA position 2832, A replaced by G.
Molecular consequence: intron variant.
Genome position (GRCh38, 1-based): chr17:80,089,888, A>G. VCF-style: chr17-80089888-A-G. GRCh37 (hg19) VCF-style: chr17-78063687-A-G.
Other names: c.2832+4A>G (NM_001243342.2).
Identifiers: ClinVar variation 4221246 (VCV004221246.2).
Genomic context (GRCh38, chr17:80,089,888, plus strand): 5'-TCCGAGATCGGCCAGACGGAGATCCGGGCCATGAAGGGCGAGATCCACAGGATGAAGGTG[A>G]GGGGAGGAGAGCGGCGTGGCAGGGCCTGCTGGGTGCCAGCCCTTGGGCTCTGGAGACCTG-3'